The following is an entry in ClinVar:

ClinVar aggregate classification (germline): Uncertain significance (1 of 4 stars; one submission).

Allele frequency attached by ClinVar (database versions not stated): gnomAD 0.00001; gnomAD exomes 0.00001; TOPMed 0.00001.
gnomAD v4.1: 18 of 1,613,766 alleles (0.0011%); highest among the groups gnomAD compares: Non-Finnish European, 0.0015%; no homozygotes.

Submission:

Labcorp Genetics (formerly Invitae), Labcorp
Classification: Uncertain significance. Last evaluated: 2023-12-31. Review status: criteria provided, single submitter. Criteria: Invitae Variant Classification Sherloc (09022015). Collection method: clinical testing. Allele origin: germline.
Comment: This sequence change falls in intron 27 of the MYH3 gene. It does not directly change the encoded amino acid sequence of the MYH3 protein. It affects a nucleotide within the consensus splice site. This variant is present in population databases (no rsID available, gnomAD 0.007%). This variant has not been reported in the literature in individuals affected with MYH3-related conditions. Variants that disrupt the consensus splice site are a relatively common cause of aberrant splicing (PMID: 17576681, 9536098). Algorithms developed to predict the effect of sequence changes on RNA splicing suggest that this variant is not likely to affect RNA splicing. In summary, the available evidence is currently insufficient to determine the role of this variant in disease. Therefore, it has been classified as a Variant of Uncertain Significance.

Literature cited by the submitters: PubMed 17576681; PubMed 9536098.

NM_002470.4(MYH3):c.3729+4C>T

Gene: MYH3 (myosin heavy chain 3; minus strand). Cytogenetic location: 17p13.1.
Variant type: single nucleotide variant.
Coding change: c.3729+4C>T on transcript NM_002470.4 (MANE Select); 4 bases into the intron after coding-DNA position 3729, C replaced by T.
Molecular consequence: intron variant.
Genome position (GRCh38, 1-based): chr17:10,638,039, G>A on the plus strand (C>T on the coding strand, the complement: MYH3 is on the minus strand). VCF-style: chr17-10638039-G-A. GRCh37 (hg19) VCF-style: chr17-10541356-G-A.
Identifiers: ClinVar variation 2708011 (VCV002708011.3), dbSNP rs932836059, ClinGen allele CA287783685.